The following is an entry in ClinVar:

ClinVar aggregate classification (germline): Uncertain significance. Review status: criteria provided, multiple submitters, no conflicts (2 of 4 stars). 2 submissions from 2 submitters: Uncertain significance (2). Last evaluated 2023-03-17.

Conditions:
Hereditary cancer-predisposing syndrome. Also called: Neoplastic Syndromes, Hereditary; Tumor predisposition; Hereditary Cancer Syndrome; Hereditary neoplastic syndrome. Identifiers: Orphanet 140162, MedGen C0027672, MeSH D009386, MONDO:0015356.
Familial adenomatous polyposis 1 (FAP1). Also called: FAMILIAL ADENOMATOUS POLYPOSIS 1, ATTENUATED; POLYPOSIS, ADENOMATOUS INTESTINAL. Identifiers: MedGen C2713442, MONDO:0021056, OMIM 175100. Disease mechanism: loss of function.

Allele frequency attached by ClinVar (database versions not stated): gnomAD exomes below 0.00001; ExAC 0.00001.
gnomAD v4.1: 1 of 1,614,054 alleles (0.000062%); highest among the groups gnomAD compares: Admixed American, 0.0017%; no homozygotes.

Submissions (2):

Labcorp Genetics (formerly Invitae), Labcorp
Classification: Uncertain significance for Familial adenomatous polyposis 1. Last evaluated: 2023-03-17. Review status: criteria provided, single submitter. Criteria: Invitae Variant Classification Sherloc (09022015). Collection method: clinical testing. Allele origin: germline.
Comment: This sequence change replaces glutamine, which is neutral and polar, with glutamic acid, which is acidic and polar, at codon 1406 of the APC protein (p.Gln1406Glu). This variant is present in population databases (rs587782518, gnomAD 0.003%). This variant has not been reported in the literature in individuals affected with APC-related conditions. ClinVar contains an entry for this variant (Variation ID: 482517). Advanced modeling of protein sequence and biophysical properties (such as structural, functional, and spatial information, amino acid conservation, physicochemical variation, residue mobility, and thermodynamic stability) performed at Invitae indicates that this missense variant is not expected to disrupt APC protein function. In summary, the available evidence is currently insufficient to determine the role of this variant in disease. Therefore, it has been classified as a Variant of Uncertain Significance.

Ambry Genetics
Classification: Uncertain significance for Hereditary cancer-predisposing syndrome. Last evaluated: 2021-04-19. Review status: criteria provided, single submitter. Criteria: Ambry Variant Classification Scheme 2023. Collection method: clinical testing. Allele origin: germline.
Comment: The p.Q1406E variant (also known as c.4216C>G), located in coding exon 15 of the APC gene, results from a C to G substitution at nucleotide position 4216. The glutamine at codon 1406 is replaced by glutamic acid, an amino acid with highly similar properties. This amino acid position is well conserved in available vertebrate species. In addition, in silico predictors for this gene do not accurately predict pathogenicity. Since supporting evidence is limited at this time, the clinical significance of this alteration remains unclear.

NM_000038.6(APC):c.4216C>G (p.Gln1406Glu)

Gene: APC (APC regulator of Wnt signaling pathway; plus strand). Cytogenetic location: 5q22.2.
Variant type: single nucleotide variant.
Coding change: c.4216C>G on transcript NM_000038.6 (MANE Select); coding-DNA position 4216, C replaced by G.
Protein change: p.Gln1406Glu; replaces glutamine 1406 with glutamic acid.
Molecular consequence: missense variant.
Genome position (GRCh38, 1-based): chr5:112,839,810, C>G. VCF-style: chr5-112839810-C-G. GRCh37 (hg19) VCF-style: chr5-112175507-C-G.
Other names: c.4162C>G, p.Gln1388Glu (NM_001127511.3); c.4216C>G, p.Gln1406Glu (NM_001354895.2, NM_001127510.3); c.4270C>G, p.Gln1424Glu (NM_001354896.2); c.4246C>G, p.Gln1416Glu (NM_001354897.2); c.4141C>G, p.Gln1381Glu (NM_001354898.2); c.4132C>G, p.Gln1378Glu (NM_001354899.2); c.4093C>G, p.Gln1365Glu (NM_001354900.2); c.4039C>G, p.Gln1347Glu (NM_001354901.2); and 5 more; short protein forms Q1406E, Q1388E, Q1123E, Q1280E, Q1305E, Q1365E, Q1347E, Q1246E.
Identifiers: ClinVar variation 482517 (VCV000482517.8), dbSNP rs587782518, ClinGen allele CA038031.